The following is an entry in ClinVar:

NM_001204.7(BMPR2):c.418del (p.Ser140fs)

Gene: BMPR2 (bone morphogenetic protein receptor type 2; plus strand). Cytogenetic location: 2q33.1.
Variant type: Deletion.
Coding change: c.418del on transcript NM_001204.7 (MANE Select); coding-DNA position 418, one base deleted (A; older notation c.418delA).
Protein change: p.Ser140fs; shifts the reading frame from serine 140.
Molecular consequence: frameshift variant.
Genome position (GRCh38, 1-based): chr2:202,467,689, A deleted. VCF-style (leftmost placement, unchanged base first): chr2-202467688-CA-C. GRCh37 (hg19) VCF-style: chr2-203332411-CA-C.
Other names: short protein forms S140fs.
Identifiers: ClinVar variation 3661545 (VCV003661545.2).
Genomic context (GRCh38, chr2:202,467,688, plus strand): 5'-CACAGATTTATGTAATGTCAACTTTACTGAGAATTTTCCACCTCCTGACACAACACCACT[CA>C]GTAAGTAAAGTAACCAACTTTTCTTTGTATTTCCTTTCTCCAAAGATTTGCAAAATATAA-3'

ClinVar aggregate classification (germline): Pathogenic (1 of 4 stars; one submission).

Conditions:
Primary pulmonary hypertension. Also called: Idiopathic pulmonary hypertension. Identifiers: MedGen C0152171.

Submission:

Labcorp Genetics (formerly Invitae), Labcorp
Classification: Pathogenic for Primary pulmonary hypertension. Last evaluated: 2025-07-30. Review status: criteria provided, single submitter. Criteria: Invitae Variant Classification Sherloc (09022015). Collection method: clinical testing. Allele origin: germline.
Comment: This sequence change creates a premature translational stop signal (p.Ser140Valfs*12) in the BMPR2 gene. It is expected to result in an absent or disrupted protein product. Loss-of-function variants in BMPR2 are known to be pathogenic (PMID: 16429395). This variant is not present in population databases (gnomAD no frequency). This variant has not been reported in the literature in individuals affected with BMPR2-related conditions. ClinVar contains an entry for this variant (Variation ID: 3661545). Algorithms developed to predict the effect of sequence changes on RNA splicing suggest that this variant may disrupt the consensus splice site. For these reasons, this variant has been classified as Pathogenic.

Literature cited by the submitters: PubMed 16429395.